The following is an entry in ClinVar:

NM_001042492.3(NF1):c.2345C>A (p.Ala782Glu)

Gene: NF1 (neurofibromin 1; plus strand). Cytogenetic location: 17q11.2.
Variant type: single nucleotide variant.
Coding change: c.2345C>A on transcript NM_001042492.3 (MANE Select); coding-DNA position 2345, C replaced by A.
Protein change: p.Ala782Glu; replaces alanine 782 with glutamic acid.
Molecular consequence: missense variant.
Genome position (GRCh38, 1-based): chr17:31,227,542, C>A. VCF-style: chr17-31227542-C-A. GRCh37 (hg19) VCF-style: chr17-29554560-C-A.
Other names: c.2345C>A, p.Ala782Glu (NM_000267.4); short protein forms A782E.
Identifiers: ClinVar variation 2866894 (VCV002866894.3), dbSNP rs1203924788, ClinGen allele CA398983077.

ClinVar aggregate classification (germline): Uncertain significance (1 of 4 stars; one submission).

Conditions:
Neurofibromatosis, type 1 (NF1). Also called: Neurofibromatosis, type I; NEUROFIBROMATOSIS, TYPE I, SOMATIC; Peripheral type neurofibromatosis; VON RECKLINGHAUSEN DISEASE. Identifiers: Orphanet 636, MedGen C0027831, MONDO:0018975, OMIM 162200. Disease mechanism: loss of function.

Submission:

Labcorp Genetics (formerly Invitae), Labcorp
Classification: Uncertain significance for Neurofibromatosis, type 1. Last evaluated: 2023-05-22. Review status: criteria provided, single submitter. Criteria: Invitae Variant Classification Sherloc (09022015). Collection method: clinical testing. Allele origin: germline.
Comment: In summary, the available evidence is currently insufficient to determine the role of this variant in disease. Therefore, it has been classified as a Variant of Uncertain Significance. Advanced modeling of protein sequence and biophysical properties (such as structural, functional, and spatial information, amino acid conservation, physicochemical variation, residue mobility, and thermodynamic stability) performed at Invitae indicates that this missense variant is not expected to disrupt NF1 protein function. This variant has not been reported in the literature in individuals affected with NF1-related conditions. This variant is not present in population databases (gnomAD no frequency). This sequence change replaces alanine, which is neutral and non-polar, with glutamic acid, which is acidic and polar, at codon 782 of the NF1 protein (p.Ala782Glu).